The following is an entry in ClinVar:

ClinVar aggregate classification (germline): Uncertain significance (1 of 4 stars; one submission).

Conditions:
Thrombocytopenia 2 (THC2). Also called: ANKRD26-Related Thrombocytopenia. Identifiers: Orphanet 268322, MedGen C1861185, MONDO:0008555, OMIM 188000.

Allele frequency attached by ClinVar (database versions not stated): gnomAD exomes below 0.00001; ExAC 0.00001.

Submission:

Victorian Clinical Genetics Services, Murdoch Childrens Research Institute
Classification: Uncertain significance for Thrombocytopenia 2. Last evaluated: 2023-12-21. Review status: criteria provided, single submitter. Criteria: ACMG Guidelines, 2015. Collection method: clinical testing. Allele origin: germline. Inheritance: Autosomal dominant inheritance. Affected: no.
Comment: Based on the classification scheme VCGS_Germline_v1.3.4, this variant is classified as VUS-3B. Following criteria are met: 0101 - Gain of function is a known mechanism of disease in this gene and is associated with thrombocytopenia 2 (MIM#188000) (PMID: 35587581). (I) 0107 - This gene is associated with autosomal dominant disease. (I) 0115 - Variants in this gene are known to have variable expressivity. The bleeding phenotype is variable, where most have a normal or mild bleeding phenotype without a history of spontaneous or prolonged surgical bleeding. However, some individuals experiencing spontaneous epistaxis, bruising, or menorrhagia have also been reported (PMID: 35587581). (I) 0201 - Variant is predicted to cause nonsense-mediated decay (NMD) and loss of protein (premature termination codon is located at least 54 nucleotides upstream of the final exon-exon junction). (SP) 0251 - This variant is heterozygous. (I) 0301 - Variant is absent from gnomAD (both v2 and v3). (SP) 0710 - Other premature termination variants comparable to the one identified in this case have inconclusive previous evidence for pathogenicity. Most NMD-predicted variants in this gene have been reported as VUS, only two have been reported as LP/P by clinical laboratories but without further evidence provided (ClinVar). The p.(Tyr35*) variant reported in a patient with AML had functional studies showing it resulted in a truncated protein consistent with the use of an alternative start codon downstream, and retained its ability to phosphorylate ERK (PMID: 28100250). (I) 0807 - This variant has no previous evidence of pathogenicity. (I) 0905 - No published segregation evidence has been identified for this variant. (I) 1007 - No published functional evidence has been identified for this variant. (I) 1208 - Inheritance information for this variant is not currently available in this individual. (I) Legend: (SP) - Supporting pathogenic, (I) - Information, (SB) - Supporting benign

Literature cited by the submitters: PubMed 28100250; PubMed 35587581.

NM_014915.3(ANKRD26):c.506del (p.Asp169fs)

Gene: ANKRD26 (ankyrin repeat domain 26; minus strand). Cytogenetic location: 10p12.1.
Variant type: Deletion.
Coding change: c.506del on transcript NM_014915.3 (MANE Select); coding-DNA position 506, one base deleted (A; older notation c.506delA).
Protein change: p.Asp169fs; shifts the reading frame from aspartic acid 169.
Molecular consequence: frameshift variant.
Genome position (GRCh38, 1-based): chr10:27,093,374, T deleted on the plus strand (A on the coding strand, the reverse complement: ANKRD26 is on the minus strand). VCF-style (leftmost placement, unchanged base first): chr10-27093373-AT-A. GRCh37 (hg19) VCF-style: chr10-27382302-AT-A.
Other names: c.506del, p.Asp169fs (NM_001256053.2); short protein forms D169fs.
Identifiers: ClinVar variation 3254696 (VCV003254696.1), dbSNP rs750685262.
Genomic context (GRCh38, chr10:27,093,373, plus strand): 5'-TCAAATACTGTAAAAATAAAGTTGGTTGATCTATACCTTGTTTTTTGCTTCAATATTTGC[AT>A]CATACAAAAGCAGCTTTGTTGCTACTGATATGTCCTCATTATAGACAGCATAGTGAAGAG-3'